The following is an entry in ClinVar:

NM_020376.4(PNPLA2):c.1176-27C>G

Gene: PNPLA2 (patatin like domain 2, triacylglycerol lipase; plus strand). Cytogenetic location: 11p15.5.
Variant type: single nucleotide variant.
Coding change: c.1176-27C>G on transcript NM_020376.4 (MANE Select); 27 bases into the intron before coding-DNA position 1176, C replaced by G.
Molecular consequence: intron variant.
Genome position (GRCh38, 1-based): chr11:824,496, C>G. VCF-style: chr11-824496-C-G. GRCh37 (hg19) VCF-style: chr11-824496-C-G.
Other names: p.?.
Identifiers: ClinVar variation 672578 (VCV000672578.3), dbSNP rs76574419, ClinGen allele CA5791328.

ClinVar aggregate classification (germline): Benign. Review status: criteria provided, multiple submitters, no conflicts (2 of 4 stars). 3 submissions from 3 submitters: Benign (3). Last evaluated 2022-05-05.

Allele frequency attached by ClinVar (database versions not stated): 1000 Genomes Project 30x 0.08323; ExAC 0.09551; TOPMed 0.09948; gnomAD 0.10179; 1000 Genomes Project 0.08227; ESP Exome Variant Server 0.07527.

Submissions (3):

Mayo Clinic Laboratories, Mayo Clinic
Classification: Benign. Last evaluated: 2022-05-05. Review status: criteria provided, single submitter. Criteria: ACMG Guidelines, 2015. Collection method: clinical testing. Allele origin: germline. Observed: 81 variant alleles.

GeneDx
Classification: Benign. Last evaluated: 2018-06-19. Review status: criteria provided, single submitter. Criteria: GeneDx Variant Classification (06012015). Collection method: clinical testing. Allele origin: germline. Affected: yes.
Comment: This variant is considered likely benign or benign based on one or more of the following criteria: it is a conservative change, it occurs at a poorly conserved position in the protein, it is predicted to be benign by multiple in silico algorithms, and/or has population frequency not consistent with disease.

Breakthrough Genomics
Classification: Benign. Review status: criteria provided, single submitter. Criteria: ACMG Guidelines, 2015. Collection method: not provided. Allele origin: germline. Inheritance: Autosomal recessive inheritance. Affected: yes.